The following is an entry in ClinVar:

ClinVar aggregate classification (germline): Uncertain significance (1 of 4 stars; one submission).

Conditions:
Inborn genetic diseases. Identifiers: MedGen C0950123, MeSH D030342.

Submission:

Ambry Genetics
Classification: Uncertain significance for Inborn genetic diseases. Last evaluated: 2024-03-22. Review status: criteria provided, single submitter. Criteria: Ambry Variant Classification Scheme 2023. Collection method: clinical testing. Allele origin: germline.
Comment: The p.F2532S variant (also known as c.7595T>C), located in coding exon 45 of the ATR gene, results from a T to C substitution at nucleotide position 7595. The phenylalanine at codon 2532 is replaced by serine, an amino acid with highly dissimilar properties. This amino acid position is conserved. In addition, this alteration is predicted to be deleterious by in silico analysis. Based on the available evidence, the clinical significance of this alteration remains unclear.

NM_001184.4(ATR):c.7595T>C (p.Phe2532Ser)

Gene: ATR (ATR serine/threonine kinase; minus strand). Cytogenetic location: 3q23.
Variant type: single nucleotide variant.
Coding change: c.7595T>C on transcript NM_001184.4 (MANE Select); coding-DNA position 7595, T replaced by C.
Protein change: p.Phe2532Ser; replaces phenylalanine 2532 with serine.
Molecular consequence: missense variant.
Genome position (GRCh38, 1-based): chr3:142,457,664, A>G on the plus strand (T>C on the coding strand, the complement: ATR is on the minus strand). VCF-style: chr3-142457664-A-G. GRCh37 (hg19) VCF-style: chr3-142176506-A-G.
Other names: c.7403T>C, p.Phe2468Ser (NM_001354579.2); short protein forms F2468S, F2532S.
Identifiers: ClinVar variation 3331320 (VCV003331320.1).
Genomic context (GRCh38, chr3:142,457,664, plus strand): 5'-CTCATTAAAGGCTCTCGCTGATCACGCATCAGCCTCATTGTAACTTCACATGCTCTTCGA[A>G]AAAGACCCTCTGTTCCCATAGGACCCATTCCATTAACCATATTATGAGTCAGGCGAAATG-3'
Protein context (NP_001175.2, residues 2522-2542): GMGPMGTEGL[Phe2532Ser]RRACEVTMRL